The following is an entry in ClinVar:

NM_000218.3(KCNQ1):c.355G>A (p.Gly119Ser)

Gene: KCNQ1 (potassium voltage-gated channel subfamily Q member 1; plus strand). Cytogenetic location: 11p15.5.
Variant type: single nucleotide variant.
Coding change: c.355G>A on transcript NM_000218.3 (MANE Select); coding-DNA position 355, G replaced by A.
Protein change: p.Gly119Ser; replaces glycine 119 with serine.
Molecular consequence: missense variant. On other transcripts: 5 prime UTR variant (1).
Genome position (GRCh38, 1-based): chr11:2,445,453, G>A. VCF-style: chr11-2445453-G-A. GRCh37 (hg19) VCF-style: chr11-2466683-G-A.
Other names: c.355G>A, p.Gly119Ser (NM_001406836.1, NM_001406838.1); c.-8G>A (NM_001406837.1); short protein forms G119S.
Identifiers: ClinVar variation 2801649 (VCV002801649.3), dbSNP rs1325525794, ClinGen allele CA379117655.

ClinVar aggregate classification (germline): Likely pathogenic (1 of 4 stars; one submission).

Conditions:
Long QT syndrome (LQTS). Identifiers: MedGen C0023976, MeSH D008133, MONDO:0002442. Disease mechanism: loss of function. Inheritance: Various modes of inheritance.

Allele frequency attached by ClinVar (database versions not stated): TOPMed below 0.00001.
gnomAD v4.1: 2 of 1,597,006 alleles (0.00013%); highest among the groups gnomAD compares: Non-Finnish European, 0.00017%; no homozygotes.

Submission:

Labcorp Genetics (formerly Invitae), Labcorp
Classification: Likely pathogenic for Long QT syndrome. Last evaluated: 2024-02-02. Review status: criteria provided, single submitter. Criteria: Invitae Variant Classification Sherloc (09022015). Collection method: clinical testing. Allele origin: germline.
Comment: This sequence change replaces glycine, which is neutral and non-polar, with serine, which is neutral and polar, at codon 119 of the KCNQ1 protein (p.Gly119Ser). This variant is not present in population databases (gnomAD no frequency). This variant has not been reported in the literature in individuals affected with KCNQ1-related conditions. Advanced modeling of protein sequence and biophysical properties (such as structural, functional, and spatial information, amino acid conservation, physicochemical variation, residue mobility, and thermodynamic stability) performed at Invitae indicates that this missense variant is expected to disrupt KCNQ1 protein function with a positive predictive value of 95%. This variant disrupts the p.Gly119 amino acid residue in KCNQ1. Other variant(s) that disrupt this residue have been determined to be pathogenic (PMID: 26669661, 30571187, 31737537, 32383558, 36674868; Invitae). This suggests that this residue is clinically significant, and that variants that disrupt this residue are likely to be disease-causing. In summary, the currently available evidence indicates that the variant is pathogenic, but additional data are needed to prove that conclusively. Therefore, this variant has been classified as Likely Pathogenic.

Literature cited by the submitters: PubMed 26669661; PubMed 30571187; PubMed 31737537; PubMed 32383558; PubMed 36674868.